The following is an entry in ClinVar:

NM_001136035.4(TRMT1):c.382G>T (p.Glu128Ter)

Gene: TRMT1 (tRNA methyltransferase 1; minus strand). Cytogenetic location: 19p13.13.
Variant type: single nucleotide variant.
Coding change: c.382G>T on transcript NM_001136035.4 (MANE Select); coding-DNA position 382, G replaced by T.
Protein change: p.Glu128Ter; replaces glutamic acid 128 with a stop codon.
Molecular consequence: nonsense. On other transcripts: 5 prime UTR variant (1).
Genome position (GRCh38, 1-based): chr19:13,115,697, C>A on the plus strand (G>T on the coding strand, the complement: TRMT1 is on the minus strand). VCF-style: chr19-13115697-C-A. GRCh37 (hg19) VCF-style: chr19-13226511-C-A.
Other names: c.382G>T, p.Glu128Ter (NM_001142554.3, NM_001351760.2, NM_017722.5); c.274G>T, p.Glu92Ter (NM_001351761.2); c.-389G>T (NM_001351762.2); short protein forms E128*, E92*.
Identifiers: ClinVar variation 4633656 (VCV004633656.1).
Genomic context (GRCh38, chr19:13,115,697, plus strand): 5'-CCCCCACGGCCGCTGTGCGAGGTTGGTCTCCTGAGGCCAGGTTTTCACTCTCTTTCAGTT[C>A]AACCTTTTCCTCCTCTTGCTCTGACAAGTCCACGACCACTTTTTGCGTGTCCTTCTCTCC-3'

ClinVar aggregate classification (germline): Pathogenic (1 of 4 stars; one submission).

Conditions:
Inborn genetic diseases. Identifiers: MedGen C0950123, MeSH D030342.

Submission:

Ambry Genetics
Classification: Pathogenic for Inborn genetic diseases. Last evaluated: 2025-10-01. Review status: criteria provided, single submitter. Criteria: Ambry Variant Classification Scheme 2023. Collection method: clinical testing. Allele origin: germline.
Comment: The c.382G>T (p.E128*) alteration, located in exon 3 (coding exon 3) of the TRMT1 gene, consists of a G to T substitution at nucleotide position 382. This changes the amino acid from a glutamic acid (E) to a stop codon at amino acid position 128. This alteration is expected to result in loss of function by premature protein truncation or nonsense-mediated mRNA decay. This variant was not reported in population-based cohorts in the Genome Aggregation Database (gnomAD). Based on the available evidence, this alteration is classified as pathogenic.